The following is an entry in ClinVar:

ClinVar aggregate classification (germline): Likely benign. Review status: criteria provided, multiple submitters, no conflicts (2 of 4 stars). 2 submissions from 2 submitters: Likely benign (2). Last evaluated 2025-12-23.

Conditions:
Dilated cardiomyopathy 1O (CMD1O). Also called: CARDIOMYOPATHY, DILATED, WITH VENTRICULAR TACHYCARDIA. Identifiers: Orphanet 154, MedGen C1837839, MONDO:0012062, OMIM 608569.

Submissions (2):

Labcorp Genetics (formerly Invitae), Labcorp
Classification: Likely benign for Dilated cardiomyopathy 1O. Last evaluated: 2025-12-23. Review status: criteria provided, single submitter. Criteria: Invitae Variant Classification Sherloc (09022015). Collection method: clinical testing. Allele origin: germline.

Women's Health and Genetics/Laboratory Corporation of America, LabCorp
Classification: Likely benign. Last evaluated: 2024-12-18. Review status: criteria provided, single submitter. Criteria: LabCorp Variant Classification Summary - May 2015. Collection method: clinical testing. Allele origin: germline.
Comment: Variant summary: ABCC9 c.1456-10delT alters a non-conserved nucleotide located at a position not widely known to affect splicing. Consensus agreement among computation tools predict no significant impact on normal splicing. However, these predictions have yet to be confirmed by functional studies. The variant allele was found at a frequency of 2.1e-05 in 233328 control chromosomes. The available data on variant occurrences in the general population are insufficient to allow any conclusion about variant significance. To our knowledge, no occurrence of c.1456-10delT in individuals affected with Dilated Cardiomyopathy and no experimental evidence demonstrating its impact on protein function have been reported. ClinVar contains an entry for this variant (Variation ID: 1153533). Based on the evidence outlined above, the variant was classified as likely benign.

NM_020297.4(ABCC9):c.1456-10del

Gene: ABCC9 (ATP binding cassette subfamily C member 9; minus strand). Cytogenetic location: 12p12.1.
Variant type: Deletion.
Coding change: c.1456-10del on transcript NM_020297.4 (MANE Select); 10 bases into the intron before coding-DNA position 1456, one base deleted (T; older notation c.1456-10delT).
Molecular consequence: intron variant.
Genome position (GRCh38, 1-based): chr12:21,906,298, A deleted on the plus strand (T on the coding strand, the reverse complement: ABCC9 is on the minus strand); the first of 3 consecutive A bases (chr12:21,906,298-21,906,300); deleting any one gives the same sequence. VCF-style (leftmost placement, unchanged base first): chr12-21906297-CA-C. GRCh37 (hg19) VCF-style: chr12-22059231-CA-C.
Other names: c.592-10del (NM_001377274.1); c.1456-10del (NM_005691.4, NM_001377273.1); c.1456-10delT (NM_005691.4).
Identifiers: ClinVar variation 1153533 (VCV001153533.10), dbSNP rs763459861, ClinGen allele CA6481650.